The following is an entry in ClinVar:

NM_000232.5(SGCB):c.28G>T (p.Glu10Ter)

Genes: SGCB (sarcoglycan beta; minus strand), LOC129992585 (ATAC-STARR-seq lymphoblastoid silent region 15421; plus strand). Cytogenetic location: 4q12.
Variant type: single nucleotide variant.
Coding change: c.28G>T on transcript NM_000232.5 (MANE Select); coding-DNA position 28, G replaced by T.
Protein change: p.Glu10Ter; replaces glutamic acid 10 with a stop codon.
Molecular consequence: nonsense.
Genome position (GRCh38, 1-based): chr4:52,038,232, C>A on the plus strand (G>T on the coding strand, the complement: SGCB is on the minus strand). VCF-style: chr4-52038232-C-A. GRCh37 (hg19) VCF-style: chr4-52904398-C-A.
Other names: short protein forms E10*.
Identifiers: ClinVar variation 534947 (VCV000534947.12), dbSNP rs1448040082, ClinGen allele CA356878678.

ClinVar aggregate classification (germline): Pathogenic. Review status: criteria provided, multiple submitters, no conflicts (2 of 4 stars). 4 submissions from 4 submitters: Pathogenic (4). Last evaluated 2026-04-07.

Conditions:
Autosomal recessive limb-girdle muscular dystrophy type 2E (LGMDR4). Also called: MUSCULAR DYSTROPHY, LIMB-GIRDLE, AUTOSOMAL RECESSIVE 4. Identifiers: Orphanet 119, MedGen C1858593, MONDO:0011423, OMIM 604286. Disease mechanism: Affects gamma-sarcoglycan and also disrupts the integrity of the entire sarcoglycan complex..

gnomAD v4.1: 3 of 1,286,912 alleles (0.00023%); highest among the groups gnomAD compares: African/African-American, 0.0015%; no homozygotes.

Submissions (4):

GeneDx
Classification: Pathogenic. Last evaluated: 2026-04-07. Review status: criteria provided, single submitter. Criteria: GeneDx Variant Classification Process June 2021. Collection method: clinical testing. Allele origin: germline.
Comment: Nonsense variant predicted to result in protein truncation or nonsense mediated decay in a gene for which loss of function is a known mechanism of disease; Not observed at significant frequency in large population cohorts (gnomAD); This variant is associated with the following publications: (PMID: 36964972)

Palindrome, Gene Kavoshgaran Aria
Classification: Pathogenic for Autosomal recessive limb-girdle muscular dystrophy type 2E. Last evaluated: 2024-12-17. Review status: criteria provided, single submitter. Criteria: ACMG Guidelines, 2015. Collection method: clinical testing. Allele origin: germline. Inheritance: Autosomal recessive inheritance. Affected: yes. Observed: 1 homozygote.

Labcorp Genetics (formerly Invitae), Labcorp
Classification: Pathogenic for Autosomal recessive limb-girdle muscular dystrophy type 2E. Last evaluated: 2024-05-15. Review status: criteria provided, single submitter. Criteria: Invitae Variant Classification Sherloc (09022015). Collection method: clinical testing. Allele origin: germline.
Comment: This sequence change creates a premature translational stop signal (p.Glu10*) in the SGCB gene. It is expected to result in an absent or disrupted protein product. Loss-of-function variants in SGCB are known to be pathogenic (PMID: 15938573, 18285821). This variant is not present in population databases (gnomAD no frequency). This variant has not been reported in the literature in individuals affected with SGCB-related conditions. ClinVar contains an entry for this variant (Variation ID: 534947). For these reasons, this variant has been classified as Pathogenic.

Eurofins Ntd Llc (ga)
Classification: Pathogenic. Last evaluated: 2017-07-12. Review status: criteria provided, single submitter. Criteria: EGL Classification Definitions 2015. Collection method: clinical testing. Allele origin: germline. Observed: 1 variant allele, 1 heterozygote.

Literature cited by the submitters: PubMed 15938573 (cited by Labcorp Genetics (formerly Invitae), Labcorp); PubMed 18285821 (cited by Labcorp Genetics (formerly Invitae), Labcorp).